The following is an entry in ClinVar:

ClinVar aggregate classification (germline): Uncertain significance (1 of 4 stars; one submission).

Conditions:
Intellectual developmental disorder, autosomal recessive 66. Also called: Intellectual disability, autosomal recessive 66; Mental retardation, autosomal recessive 66. Identifiers: MedGen C4748732, MONDO:0032605, OMIM 618221.

Allele frequency attached by ClinVar (database versions not stated): ExAC 0.00001; gnomAD exomes below 0.00001.
gnomAD v4.1: 1 of 1,580,116 alleles (0.000063%); highest among the groups gnomAD compares: South Asian, 0.0012%; no homozygotes.

Submission:

Broad Center for Mendelian Genomics, Broad Institute of MIT and Harvard
Classification: Uncertain significance for Intellectual developmental disorder, autosomal recessive 66. Last evaluated: 2022-05-04. Review status: criteria provided, single submitter. Criteria: ACMG Guidelines, 2015. Collection method: curation. Allele origin: germline. Inheritance: Autosomal recessive inheritance.
Comment: The variant has not been previously reported in individuals with mental retardation, autosomal recessive 37 but has been identified in 0.004% (1/24382) of South Asian chromosomes by the Genome Aggregation Database (gnomAD; dbSNP ID: rs768220615). Although this variant has been seen in the general population, its frequency is low enough to be consistent with a recessive carrier frequency. Computational prediction tools and conservation analyses suggest that this variant may impact the protein, though this information is not predictive enough to determine pathogenicity. In summary, the clinical significance of the p.Ile4119Thr variant is uncertain. ACMG/AMP Criteria applied: PM2, PP3 (Richards 2015).

NM_020987.5(ANK3):c.12356T>C (p.Ile4119Thr)

Gene: ANK3 (ankyrin 3; minus strand). Cytogenetic location: 10q21.2.
Variant type: single nucleotide variant.
Coding change: c.12356T>C on transcript NM_020987.5 (MANE Select); coding-DNA position 12356, T replaced by C.
Protein change: p.Ile4119Thr; replaces isoleucine 4119 with threonine.
Molecular consequence: missense variant.
Genome position (GRCh38, 1-based): chr10:60,064,252, A>G on the plus strand (T>C on the coding strand, the complement: ANK3 is on the minus strand). VCF-style: chr10-60064252-A-G. GRCh37 (hg19) VCF-style: chr10-61824010-A-G.
Other names: NM_001320874.2:c.4517T>C; c.1919T>C, p.Ile640Thr (NM_001149.4); c.4499T>C, p.Ile1500Thr (NM_001204403.2); c.4520T>C, p.Ile1507Thr (NM_001204404.2); c.4517T>C, p.Ile1506Thr (NM_001320874.2); short protein forms I1500T, I1506T, I1507T, I4119T, I640T.
Identifiers: ClinVar variation 1679836 (VCV001679836.1), dbSNP rs768220615, ClinGen allele CA5510903.